The following is an entry in ClinVar:

NM_000016.6(ACADM):c.959C>A (p.Ser320Ter)

Gene: ACADM (acyl-CoA dehydrogenase medium chain; plus strand). Cytogenetic location: 1p31.1.
Variant type: single nucleotide variant.
Coding change: c.959C>A on transcript NM_000016.6 (MANE Select); coding-DNA position 959, C replaced by A.
Protein change: p.Ser320Ter; replaces serine 320 with a stop codon.
Molecular consequence: nonsense.
Genome position (GRCh38, 1-based): chr1:75,761,135, C>A. VCF-style: chr1-75761135-C-A. GRCh37 (hg19) VCF-style: chr1-76226820-C-A.
Other names: c.971C>A, p.Ser324Ter (NM_001127328.3); c.851C>A, p.Ser284Ter (NM_001286042.2); c.1058C>A, p.Ser353Ter (NM_001286043.2); c.392C>A, p.Ser131Ter (NM_001286044.2); c.959C>A (NM_000016.5); short protein forms S320*, S324*, S353*, S131*, S284*.
Identifiers: ClinVar variation 370434 (VCV000370434.13), dbSNP rs1057516485, ClinGen allele CA16040783.

ClinVar aggregate classification (germline): Pathogenic/Likely pathogenic. Review status: criteria provided, multiple submitters, no conflicts (2 of 4 stars). 5 submissions from 5 submitters: Pathogenic (1); Likely pathogenic (2). 2 of the submissions do not count toward it. Last evaluated 2024-06-24.

Conditions:
ACADM-related disorder. Also called: ACADM-related condition.
Medium-chain acyl-coenzyme A dehydrogenase deficiency (ACADMD). Also called: MCADH DEFICIENCY; MCADD; Medium chain acyl-CoA dehydrogenase deficiency; MCAD Deficiency; ACADM DEFICIENCY; CARNITINE DEFICIENCY SECONDARY TO MEDIUM-CHAIN ACYL-CoA DEHYDROGENASE DEFICIENCY. Identifiers: Orphanet 42, MedGen C0220710, MONDO:0008721, OMIM 201450.

Submissions (5):

Natera, Inc.
Classification: Likely pathogenic for Medium Chain Acyl-CoA Dehydrogenase Deficiency. Last evaluated: 2024-06-24. Review status: criteria provided, single submitter. Criteria: Natera Variant Classification Schema (03/2026). Collection method: clinical testing. Allele origin: germline.
Comment: The c.959C>A variant in ACADM is a nonsense variant predicted to introduce a stop codon at amino acid 320. This variant is expected to result in nonsense mediated decay, truncation, or a dysfunctional protein product. This variant is rare in the general population with a frequency below the threshold expected for the associated phenotype(s). Given the available evidence, this variant is classified as Likely Pathogenic.

Baylor Genetics
Classification: Likely pathogenic for Medium-chain acyl-coenzyme A dehydrogenase deficiency. Last evaluated: 2024-03-14. Review status: criteria provided, single submitter. Criteria: ACMG Guidelines, 2015. Collection method: clinical testing. Allele origin: unknown.

Labcorp Genetics (formerly Invitae), Labcorp
Classification: Pathogenic for Medium-chain acyl-coenzyme A dehydrogenase deficiency. Last evaluated: 2023-06-23. Review status: criteria provided, single submitter. Criteria: Invitae Variant Classification Sherloc (09022015). Collection method: clinical testing. Allele origin: germline.
Comment: ClinVar contains an entry for this variant (Variation ID: 370434). For these reasons, this variant has been classified as Pathogenic. This variant has not been reported in the literature in individuals affected with ACADM-related conditions. This variant is not present in population databases (gnomAD no frequency). This sequence change creates a premature translational stop signal (p.Ser320*) in the ACADM gene. It is expected to result in an absent or disrupted protein product. Loss-of-function variants in ACADM are known to be pathogenic (PMID: 16121256, 20434380).

PreventionGenetics, part of Exact Sciences
Classification: Likely pathogenic for ACADM-related condition. Last evaluated: 2023-11-17. Review status: no assertion criteria provided. Collection method: clinical testing. Allele origin: germline. Not counted in ClinVar's aggregate classification.
Comment: The ACADM c.959C>A variant is predicted to result in premature protein termination (p.Ser320*). To our knowledge, this variant was not reported in patients or in a large population database, indicating this variant is rare. Nonsense variants in ACADM are expected to be pathogenic. This variant is interpreted as likely pathogenic.

Counsyl
Classification: Likely pathogenic for Medium-chain acyl-coenzyme A dehydrogenase deficiency. Last evaluated: 2016-02-16. Review status: no assertion criteria provided. Collection method: clinical testing. Allele origin: unknown. Not counted in ClinVar's aggregate classification.

Literature cited by the submitters: PubMed 16121256 (cited by Labcorp Genetics (formerly Invitae), Labcorp); PubMed 20434380 (cited by Labcorp Genetics (formerly Invitae), Labcorp).